The following is an entry in ClinVar:

NM_004004.6(GJB2):c.161A>G (p.Asn54Ser)

Gene: GJB2 (gap junction protein beta 2; minus strand). Cytogenetic location: 13q12.11.
Variant type: single nucleotide variant.
Coding change: c.161A>G on transcript NM_004004.6 (MANE Select); coding-DNA position 161, A replaced by G.
Protein change: p.Asn54Ser; replaces asparagine 54 with serine.
Molecular consequence: missense variant.
Genome position (GRCh38, 1-based): chr13:20,189,421, T>C on the plus strand (A>G on the coding strand, the complement: GJB2 is on the minus strand). VCF-style: chr13-20189421-T-C. GRCh37 (hg19) VCF-style: chr13-20763560-T-C.
Other names: short protein forms N54S.
Identifiers: ClinVar variation 1339579 (VCV001339579.7), dbSNP rs2137308512, ClinGen allele CA387461749.

ClinVar aggregate classification (germline): Conflicting classifications of pathogenicity. Review status: criteria provided, conflicting classifications (1 of 4 stars). 3 submissions from 3 submitters: Likely pathogenic (2); Uncertain significance (1). Last evaluated 2024-04-03.

Conditions:
Autosomal dominant nonsyndromic hearing loss 3A. Identifiers: Orphanet 90635, MedGen C2675750, MONDO:0011103, OMIM 601544.
Mutilating keratoderma (VOWNKL). Also called: Keratoderma hereditarium mutilans. Identifiers: Orphanet 494, MedGen C0265964, MONDO:0007422, OMIM 124500.
Autosomal dominant keratitis-ichthyosis-hearing loss syndrome. Also called: HID SYNDROME; Senter syndrome; KID SYNDROME, AUTOSOMAL DOMINANT. Identifiers: Orphanet 477, MedGen C0265336, MONDO:0007850, OMIM 148210.
Autosomal recessive nonsyndromic hearing loss 1A (DFNB1A). Also called: GJB6-Related DFNB 1 Nonsyndromic Hearing Loss and Deafness; Deafness, autosomal recessive 1A; GJB2-Related Autosomal Recessive Nonsyndromic Hearing Loss; Connexin 26 deafness; Deafness nonsyndromic, Connexin 26 linked; Nonsyndromic Hearing Loss and Deafness, DFNB1. Identifiers: Orphanet 90636, MedGen C2673759, MONDO:0009076, OMIM 220290.
Palmoplantar keratoderma-deafness syndrome. Also called: Keratoderma palmoplantar, with deafness; Palmoplantar keratoderma and sensorineural deafness; Hereditary palmoplantar keratoderma with deafness (subtype); Focal palmoplantar keratoderma with sensorineural deafness (subtype); Diffuse palmoplantar keratoderma with deafness (subtype). Identifiers: Orphanet 2202, MedGen C1835672, MONDO:0007852, OMIM 148350.
Knuckle pads, deafness AND leukonychia syndrome. Also called: Bart-Pumphrey syndrome. Identifiers: Orphanet 2698, MedGen C0266004, MONDO:0007866, OMIM 149200.
Ichthyosis, hystrix-like, with hearing loss. Also called: Hystrix-like ichthyosis with deafness. Identifiers: Orphanet 477, MedGen C1865234, MONDO:0011245.

Submissions (3):

Fulgent Genetics
Classification: Likely pathogenic for Mutilating keratoderma; Autosomal dominant keratitis-ichthyosis-hearing loss syndrome; Palmoplantar keratoderma-deafness syndrome; Knuckle pads, deafness AND leukonychia syndrome; Autosomal recessive nonsyndromic hearing loss 1A; Autosomal dominant nonsyndromic hearing loss 3A. Last evaluated: 2024-04-03. Review status: criteria provided, single submitter. Criteria: ACMG Guidelines, 2015. Collection method: clinical testing. Allele origin: germline.

GeneDx
Classification: Uncertain significance. Last evaluated: 2022-02-02. Review status: criteria provided, single submitter. Criteria: GeneDx Variant Classification Process June 2021. Collection method: clinical testing. Allele origin: germline. Affected: yes.
Comment: Reported as identified in a large cohort of patients with nonsyndromic hearing loss but additional evidence is not available (Putcha et al., 2007); Not observed in large population cohorts (gnomAD); In silico analysis supports that this missense variant has a deleterious effect on protein structure/function; This variant is associated with the following publications: (PMID: 25388846, 17666888)

Labcorp Genetics (formerly Invitae), Labcorp
Classification: Likely pathogenic. Last evaluated: 2021-12-25. Review status: criteria provided, single submitter. Criteria: Invitae Variant Classification Sherloc (09022015). Collection method: clinical testing. Allele origin: germline.
Comment: Advanced modeling of protein sequence and biophysical properties (such as structural, functional, and spatial information, amino acid conservation, physicochemical variation, residue mobility, and thermodynamic stability) performed at Invitae indicates that this missense variant is expected to disrupt GJB2 protein function. In summary, the currently available evidence indicates that the variant is pathogenic, but additional data are needed to prove that conclusively. Therefore, this variant has been classified as Likely Pathogenic. This variant disrupts the p.Asn54 amino acid residue in GJB2. Other variant(s) that disrupt this residue have been observed in individuals with GJB2-related conditions (PMID: 15482471, 17255958), which suggests that this may be a clinically significant amino acid residue. Algorithms developed to predict the effect of sequence changes on RNA splicing suggest that this variant may create or strengthen a splice site. This missense change has been observed in individual(s) with autosomal dominant deafness (Invitae). This variant has been reported in individual(s) with autosomal recessive deafness (PMID: 17666888, 20497192); however, the role of the variant in this condition is currently unclear. This variant is not present in population databases (gnomAD no frequency). This sequence change replaces asparagine, which is neutral and polar, with serine, which is neutral and polar, at codon 54 of the GJB2 protein (p.Asn54Ser).

Literature cited by the submitters: PubMed 15482471 (cited by Labcorp Genetics (formerly Invitae), Labcorp); PubMed 17255958 (cited by Labcorp Genetics (formerly Invitae), Labcorp); PubMed 17666888 (cited by Labcorp Genetics (formerly Invitae), Labcorp); PubMed 20497192 (cited by Labcorp Genetics (formerly Invitae), Labcorp).